The following is an entry in ClinVar:

ClinVar aggregate classification (germline): Pathogenic (1 of 4 stars; one submission).

Conditions:
Pendred syndrome (PDS). Also called: DEAFNESS WITH GOITER; GOITER-DEAFNESS SYNDROME; HYPOTHYROIDISM, CONGENITAL, DUE TO DYSHORMONOGENESIS, 2B; THYROID DYSHORMONOGENESIS 2B; THYROID HORMONOGENESIS, GENETIC DEFECT IN, 2B; Pendred's syndrome. Identifiers: Orphanet 705, MedGen C0271829, MONDO:0010134, OMIM 274600.

Submission:

Myriad Genetics, Inc.
Classification: Pathogenic for Pendred syndrome. Last evaluated: 2023-09-09. Review status: criteria provided, single submitter. Criteria: Myriad Autosomal Dominant, Autosomal Recessive and X-Linked Classification Criteria (2023). Collection method: clinical testing. Allele origin: unknown.
Comment: NM_000441.1(SLC26A4):c.607_608del2ins19(F203Tfs*15) is expected to be pathogenic in the context of Pendred syndrome. This variant is predicted to lead to an abnormal or absent protein product due to the creation of a premature termination codon in SLC26A4, a gene where loss-of-function variants are known to be pathogenic. Please note: this variant was assessed in the context of healthy population screening.

NM_000441.2(SLC26A4):c.607_608delinsACTGTCTCTTATACACATC (p.Phe203fs)

Gene: SLC26A4 (solute carrier family 26 member 4; plus strand). Cytogenetic location: 7q22.3.
Variant type: Indel.
Coding change: c.607_608delinsACTGTCTCTTATACACATC on transcript NM_000441.2 (MANE Select); coding-DNA positions 607 to 608, TT replaced by ACTGTCTCTTATACACATC.
Protein change: p.Phe203fs; shifts the reading frame from phenylalanine 203.
Molecular consequence: frameshift variant.
Genome position (GRCh38, 1-based): chr7:107,674,951-107,674,952, TT replaced by ACTGTCTCTTATACACATC. VCF-style: chr7-107674951-TT-ACTGTCTCTTATACACATC. GRCh37 (hg19) VCF-style: chr7-107315396-TT-ACTGTCTCTTATACACATC.
Other names: short protein forms F203fs.
Identifiers: ClinVar variation 5011613 (VCV005011613.1).
Genomic context (GRCh38, chr7:107,674,951, plus strand): 5'-TAGGTTTCTATCTCAGGCAAACATTTAATTTTTCTTTCCTTTTCCTTATCGTAGTTGATA[TT>ACTGTCTCTTATACACATC]TGGTGGCTTGCAGATTGGATTCATAGTGAGGTACTTGGCAGATCCTTTGGTTGGTGGCTT-3'